The following is an entry in ClinVar:

ClinVar aggregate classification (germline): Uncertain significance (1 of 4 stars; one submission).

Conditions:
Rienhoff syndrome. Also called: LOEYS-DIETZ SYNDROME 5. Identifiers: MedGen C3810012, MONDO:0014262, OMIM 615582.

gnomAD v4.1: 1 of 1,614,222 alleles (0.000062%); highest among the groups gnomAD compares: Non-Finnish European, 0.000085%; no homozygotes.

Submission:

Labcorp Genetics (formerly Invitae), Labcorp
Classification: Uncertain significance for Rienhoff syndrome. Last evaluated: 2019-03-27. Review status: criteria provided, single submitter. Criteria: Invitae Variant Classification Sherloc (09022015). Collection method: clinical testing. Allele origin: germline.
Comment: In summary, the available evidence is currently insufficient to determine the role of this variant in disease. Therefore, it has been classified as a Variant of Uncertain Significance. Algorithms developed to predict the effect of missense changes on protein structure and function are either unavailable or do not agree on the potential impact of this missense change (SIFT: "Tolerated"; PolyPhen-2: "Probably Damaging"; Align-GVGD: "Class C0"). This variant has not been reported in the literature in individuals with TGFB3-related conditions. This variant is not present in population databases (ExAC no frequency). This sequence change replaces arginine with proline at codon 77 of the TGFB3 protein (p.Arg77Pro). The arginine residue is moderately conserved and there is a moderate physicochemical difference between arginine and proline.

NM_003239.5(TGFB3):c.230G>C (p.Arg77Pro)

Gene: TGFB3 (transforming growth factor beta 3; minus strand). Cytogenetic location: 14q24.3.
Variant type: single nucleotide variant.
Coding change: c.230G>C on transcript NM_003239.5 (MANE Select); coding-DNA position 230, G replaced by C.
Protein change: p.Arg77Pro; replaces arginine 77 with proline.
Molecular consequence: missense variant.
Genome position (GRCh38, 1-based): chr14:75,980,664, C>G on the plus strand (G>C on the coding strand, the complement: TGFB3 is on the minus strand). VCF-style: chr14-75980664-C-G. GRCh37 (hg19) VCF-style: chr14-76447007-C-G.
Other names: c.230G>C, p.Arg77Pro (NM_001329938.2, NM_001329939.2); short protein forms R77P.
Identifiers: ClinVar variation 849412 (VCV000849412.10), dbSNP rs1036545575, ClinGen allele CA390471326.